The following is an entry in ClinVar:

ClinVar aggregate classification (germline): Uncertain significance. Review status: criteria provided, multiple submitters, no conflicts (2 of 4 stars). 5 submissions from 5 submitters: Uncertain significance (5). Last evaluated 2025-08-12.

Conditions:
Cardiovascular phenotype. Identifiers: MedGen CN230736.
Arrhythmogenic right ventricular cardiomyopathy (ARVD). Also called: Arrhythmogenic cardiomyopathy; Cardiomyopathy, ARVC; Arrhythmogenic right ventricular dysplasia; Arrhythmogenic Right Ventricular Cardiomyopathy (ARVC). Identifiers: Orphanet 247, MedGen C0349788, MeSH D019571, MONDO:0016587. Disease mechanism: loss of function. Inheritance: Various modes of inheritance.
Arrhythmogenic right ventricular dysplasia 9 (ARVD9). Also called: Arrhythmogenic Right Ventricular Dysplasia/Cardiomyopathy 9; ARRHYTHMOGENIC RIGHT VENTRICULAR DYSPLASIA, FAMILIAL, 9. Identifiers: MedGen C1836906, MONDO:0012180, OMIM 609040.
Cardiomyopathy (CMYO). Also called: Cardiomyopathies. Identifiers: Orphanet 167848, MedGen C0878544, MONDO:0004994, HP:0001638. Inheritance: Various modes of inheritance.

Allele frequency attached by ClinVar (database versions not stated): gnomAD 0.00001; gnomAD exomes 0.00001 and 0.00002; ExAC 0.00002; 1000 Genomes Project 30x 0.00016; 1000 Genomes Project 0.00020.
gnomAD v4.1: 12 of 1,613,918 alleles (0.00074%); highest among the groups gnomAD compares: South Asian, 0.0077%; no homozygotes.

Submissions (5):

Ambry Genetics
Classification: Uncertain significance for Cardiovascular phenotype. Last evaluated: 2025-08-12. Review status: criteria provided, single submitter. Criteria: Ambry Variant Classification Scheme 2023. Collection method: clinical testing. Allele origin: germline.
Comment: The p.F376S variant (also known as c.1127T>C), located in coding exon 4 of the PKP2 gene, results from a T to C substitution at nucleotide position 1127. The phenylalanine at codon 376 is replaced by serine, an amino acid with highly dissimilar properties. This amino acid position is conserved. In addition, the in silico prediction for this alteration is inconclusive. Since supporting evidence is limited at this time, the clinical significance of this alteration remains unclear.

Labcorp Genetics (formerly Invitae), Labcorp
Classification: Uncertain significance for Arrhythmogenic right ventricular dysplasia 9. Last evaluated: 2025-01-11. Review status: criteria provided, single submitter. Criteria: Invitae Variant Classification Sherloc (09022015). Collection method: clinical testing. Allele origin: germline.
Comment: This sequence change replaces phenylalanine, which is neutral and non-polar, with serine, which is neutral and polar, at codon 376 of the PKP2 protein (p.Phe376Ser). This variant is present in population databases (rs56869013, gnomAD 0.01%). This variant has not been reported in the literature in individuals affected with PKP2-related conditions. ClinVar contains an entry for this variant (Variation ID: 648136). An algorithm developed to predict the effect of missense changes on protein structure and function (PolyPhen-2) suggests that this variant is likely to be disruptive. In summary, the available evidence is currently insufficient to determine the role of this variant in disease. Therefore, it has been classified as a Variant of Uncertain Significance.

GeneDx
Classification: Uncertain significance. Last evaluated: 2024-07-01. Review status: criteria provided, single submitter. Criteria: GeneDx Variant Classification Process June 2021. Collection method: clinical testing. Allele origin: germline. Affected: yes.
Comment: Has not been previously published as pathogenic or benign to our knowledge; Not observed at significant frequency in large population cohorts (gnomAD); In silico analysis supports that this missense variant has a deleterious effect on protein structure/function

Color Diagnostics, LLC DBA Color Health
Classification: Uncertain significance for Cardiomyopathy. Last evaluated: 2024-03-06. Review status: criteria provided, single submitter. Criteria: ACMG Guidelines, 2015. Collection method: clinical testing. Allele origin: germline.
Comment: This missense variant replaces phenylalanine with serine at codon 376 of the PKP2 protein. Computational prediction suggests that this variant may not impact protein structure and function (internally defined REVEL score threshold <= 0.5, PMID: 27666373). Splice site prediction tools suggest that this variant may not impact RNA splicing. To our knowledge, functional studies have not been performed for this variant. This variant has not been reported in individuals affected with cardiovascular disorders in the literature. This variant has been identified in 5/251372 chromosomes in the general population by the Genome Aggregation Database (gnomAD). The available evidence is insufficient to determine the role of this variant in disease conclusively. Therefore, this variant is classified as a Variant of Uncertain Significance.

All of Us Research Program, National Institutes of Health
Classification: Uncertain significance for Arrhythmogenic right ventricular cardiomyopathy. Last evaluated: 2023-11-30. Review status: criteria provided, single submitter. Criteria: ACMG Guidelines, 2015. Collection method: clinical testing. Allele origin: germline. Inheritance: Autosomal dominant inheritance. Observed: 3 variant alleles, 3 heterozygotes.
Comment: This missense variant replaces phenylalanine with serine at codon 376 of the PKP2 protein. Computational prediction suggests that this variant may not impact protein structure and function (internally defined REVEL score threshold <= 0.5, PMID: 27666373). Splice site prediction tools suggest that this variant may not impact RNA splicing. To our knowledge, functional studies have not been performed for this variant. This variant has not been reported in individuals affected with cardiovascular disorders in the literature. This variant has been identified in 5/251372 chromosomes in the general population by the Genome Aggregation Database (gnomAD). The available evidence is insufficient to determine the role of this variant in disease conclusively. Therefore, this variant is classified as a Variant of Uncertain Significance.

This study involves interpretation of variants in research participants for the purpose of population health screening. Participant phenotype was not available at the time of variant classification. Additional details can be found in publication PMID: 35346344, PMCID: PMC8962531

NM_001005242.3(PKP2):c.1127T>C (p.Phe376Ser)

Gene: PKP2 (plakophilin 2; minus strand). Cytogenetic location: 12p11.21.
Variant type: single nucleotide variant.
Coding change: c.1127T>C on transcript NM_001005242.3 (MANE Select); coding-DNA position 1127, T replaced by C.
Protein change: p.Phe376Ser; replaces phenylalanine 376 with serine.
Molecular consequence: missense variant.
Genome position (GRCh38, 1-based): chr12:32,868,970, A>G on the plus strand (T>C on the coding strand, the complement: PKP2 is on the minus strand). VCF-style: chr12-32868970-A-G. GRCh37 (hg19) VCF-style: chr12-33021904-A-G.
Other names: c.1127T>C, p.Phe376Ser (NM_004572.4); short protein forms F376S.
Identifiers: ClinVar variation 648136 (VCV000648136.16), dbSNP rs56869013, ClinGen allele CA027110.
Genomic context (GRCh38, chr12:32,868,970, plus strand): 5'-CTGAAGATGACACTCACCCTCTTCCGAGCTTCAGATTTCTGGAAGCACTCGTGCTGTATG[A>G]AAGTAGCTGCAGCAGAAATCCTGGATGGCAGCATGTGGTCTGCCTCGAGCATACTCACTG-3'
Protein context (NP_001005242.2, residues 366-386): LPSRISAAAT[Phe376Ser]IQHECFQKSE